The following is an entry in ClinVar:

ClinVar aggregate classification (germline): Uncertain significance. Review status: criteria provided, multiple submitters, no conflicts (2 of 4 stars). 2 submissions from 2 submitters: Uncertain significance (2). Last evaluated 2026-05-14.

Conditions:
Hereditary cancer-predisposing syndrome. Also called: Neoplastic Syndromes, Hereditary; Hereditary Cancer Syndrome; Hereditary neoplastic syndrome; Tumor predisposition. Identifiers: Orphanet 140162, MedGen C0027672, MeSH D009386, MONDO:0015356.
Gastrointestinal stromal tumor. Also called: Gastrointestinal stromal tumor, somatic; Gastrointestinal stroma tumor. Identifiers: Orphanet 44890, MedGen C0238198, MeSH D046152, MONDO:0011719, OMIM 606764, HP:0100723.

Submissions (2):

Ambry Genetics
Classification: Uncertain significance for Hereditary cancer-predisposing syndrome. Last evaluated: 2026-05-14. Review status: criteria provided, single submitter. Criteria: Ambry Variant Classification Scheme 2023. Collection method: clinical testing. Allele origin: germline.
Comment: The p.N328K variant (also known as c.984C>A), located in coding exon 6 of the PDGFRA gene, results from a C to A substitution at nucleotide position 984. The asparagine at codon 328 is replaced by lysine, an amino acid with similar properties. This amino acid position is conserved. In addition, this alteration is predicted to be tolerated by in silico analysis. Based on the available evidence, the clinical significance of this variant remains unclear.

Labcorp Genetics (formerly Invitae), Labcorp
Classification: Uncertain significance for Gastrointestinal stromal tumor. Last evaluated: 2025-11-17. Review status: criteria provided, single submitter. Criteria: Invitae Variant Classification Sherloc (09022015). Collection method: clinical testing. Allele origin: germline.
Comment: This sequence change replaces asparagine, which is neutral and polar, with lysine, which is basic and polar, at codon 328 of the PDGFRA protein (p.Asn328Lys). This variant is not present in population databases (gnomAD no frequency). This variant has not been reported in the literature in individuals affected with PDGFRA-related conditions. ClinVar contains an entry for this variant (Variation ID: 1016462). Invitae Evidence Modeling of protein sequence and biophysical properties (such as structural, functional, and spatial information, amino acid conservation, physicochemical variation, residue mobility, and thermodynamic stability) indicates that this missense variant is not expected to disrupt PDGFRA protein function with a negative predictive value of 80%. In summary, the available evidence is currently insufficient to determine the role of this variant in disease. Therefore, it has been classified as a Variant of Uncertain Significance.

NM_006206.6(PDGFRA):c.984C>A (p.Asn328Lys)

Gene: PDGFRA (platelet derived growth factor receptor alpha; plus strand). Cytogenetic location: 4q12.
Variant type: single nucleotide variant.
Coding change: c.984C>A on transcript NM_006206.6 (MANE Select); coding-DNA position 984, C replaced by A.
Protein change: p.Asn328Lys; replaces asparagine 328 with lysine.
Molecular consequence: missense variant.
Genome position (GRCh38, 1-based): chr4:54,267,604, C>A. VCF-style: chr4-54267604-C-A. GRCh37 (hg19) VCF-style: chr4-55133771-C-A.
Other names: c.984C>A (NM_006206.4); c.984C>A, p.Asn328Lys (NM_001347827.2, NM_001347829.2); c.1059C>A, p.Asn353Lys (NM_001347828.2); c.1023C>A, p.Asn341Lys (NM_001347830.2); short protein forms N328K, N341K, N353K.
Identifiers: ClinVar variation 1016462 (VCV001016462.10), dbSNP rs1475172474, ClinGen allele CA356891546.